The following is an entry in ClinVar:

NM_001148.6(ANK2):c.11859+1321T>C

Gene: ANK2 (ankyrin 2; plus strand). Cytogenetic location: 4q26.
Variant type: single nucleotide variant.
Coding change: c.11859+1321T>C on transcript NM_001148.6 (MANE Select); 1321 bases into the intron after coding-DNA position 11859, T replaced by C.
Molecular consequence: intron variant. On other transcripts: synonymous variant (20).
Genome position (GRCh38, 1-based): chr4:113,374,770, T>C. VCF-style: chr4-113374770-T-C. GRCh37 (hg19) VCF-style: chr4-114295926-T-C.
Other names: c.5623T>C, p.Leu1875= (NM_001354225.2); c.5605T>C, p.Leu1869= (NM_001354228.2); c.5590T>C, p.Leu1864= (NM_001354230.2); c.5509T>C, p.Leu1837= (NM_001354236.2); c.5449T>C, p.Leu1817= (NM_001354245.2); c.5425T>C, p.Leu1809= (NM_001354249.2); c.5386T>C, p.Leu1796= (NM_001354253.2); c.5350T>C, p.Leu1784= (NM_001354257.2); and 60 more.
Identifiers: ClinVar variation 3034971 (VCV003034971.4), dbSNP rs144739868, ClinGen allele CA3052421.
Genomic context (GRCh38, chr4:113,374,770, plus strand): 5'-CATAGTTACATTTGGCAATCAGACATTGTCTATTGTGTGTCCTTCGATCATTAGGTCACT[T>C]TGTGTGAGCCCAGCATTTTGTCCAGTACCTCACAATTTCAGGCTGAGCCAGTGGAAGGCC-3'

ClinVar aggregate classification (germline): Likely benign. Review status: criteria provided, single submitter (1 of 4 stars). 2 submissions from 2 submitters: Likely benign (1). 1 of the submissions does not count toward it. Last evaluated 2026-07-01.

Conditions:
ANK2-related disorder. Also called: ANK2-related condition.

Allele frequency attached by ClinVar (database versions not stated): gnomAD exomes 0.00013; ExAC 0.00113; gnomAD 0.00128; TOPMed 0.00135; 1000 Genomes Project 0.00200; 1000 Genomes Project 30x 0.00219.
gnomAD v4.1: 330 of 1,112,598 alleles (0.03%); highest among the groups gnomAD compares: African/African-American, 0.37%; 2 homozygotes.

Submissions (2):

CeGaT Center for Human Genetics Tuebingen
Classification: Likely benign. Last evaluated: 2026-07-01. Review status: criteria provided, single submitter. Criteria: CeGaT Center For Human Genetics Tuebingen Variant Classification Criteria Version 2. Collection method: clinical testing. Allele origin: germline. Affected: yes. Observed: 2 variant alleles.
Comment: ANK2: BP4, BP7

PreventionGenetics, part of Exact Sciences
Classification: Likely benign for ANK2-related condition. Last evaluated: 2019-08-09. Review status: no assertion criteria provided. Collection method: clinical testing. Allele origin: germline. Not counted in ClinVar's aggregate classification.
Comment: This variant is classified as likely benign based on ACMG/AMP sequence variant interpretation guidelines (Richards et al. 2015 PMID: 25741868, with internal and published modifications).